The following is an entry in ClinVar:

NM_001206927.2(DNAH8):c.6833A>G (p.Asp2278Gly)

Gene: DNAH8 (dynein axonemal heavy chain 8; plus strand). Cytogenetic location: 6p21.2.
Variant type: single nucleotide variant.
Coding change: c.6833A>G on transcript NM_001206927.2 (MANE Select); coding-DNA position 6833, A replaced by G.
Protein change: p.Asp2278Gly; replaces aspartic acid 2278 with glycine.
Molecular consequence: missense variant.
Genome position (GRCh38, 1-based): chr6:38,870,405, A>G. VCF-style: chr6-38870405-A-G. GRCh37 (hg19) VCF-style: chr6-38838181-A-G.
Other names: c.6182A>G, p.Asp2061Gly (NM_001371.4); short protein forms D2061G, D2278G.
Identifiers: ClinVar variation 2083724 (VCV002083724.4), dbSNP rs777130552, ClinGen allele CA3789778.

ClinVar aggregate classification (germline): Uncertain significance (1 of 4 stars; one submission).

Conditions:
Primary ciliary dyskinesia. Also called: Ciliary dyskinesia. Identifiers: Orphanet 244, MedGen C0008780, MONDO:0016575, HP:0012265.

Allele frequency attached by ClinVar (database versions not stated): gnomAD 0.00002; gnomAD exomes 0.00002; TOPMed 0.00002; ExAC 0.00012.
gnomAD v4.1: 28 of 1,612,354 alleles (0.0017%); highest among the groups gnomAD compares: Non-Finnish European, 0.0022%; no homozygotes.

Submission:

Labcorp Genetics (formerly Invitae), Labcorp
Classification: Uncertain significance for Primary ciliary dyskinesia. Last evaluated: 2022-07-25. Review status: criteria provided, single submitter. Criteria: Invitae Variant Classification Sherloc (09022015). Collection method: clinical testing. Allele origin: germline.
Comment: This variant is present in population databases (rs777130552, gnomAD 0.01%). This sequence change replaces aspartic acid, which is acidic and polar, with glycine, which is neutral and non-polar, at codon 2278 of the DNAH8 protein (p.Asp2278Gly). This variant has not been reported in the literature in individuals affected with DNAH8-related conditions. Algorithms developed to predict the effect of missense changes on protein structure and function are either unavailable or do not agree on the potential impact of this missense change (SIFT: "Deleterious"; PolyPhen-2: "Not Available"; Align-GVGD: "Class C0"). In summary, the available evidence is currently insufficient to determine the role of this variant in disease. Therefore, it has been classified as a Variant of Uncertain Significance.